The following is an entry in ClinVar:

NM_001079668.3(NKX2-1):c.111C>G (p.His37Gln)

Genes: NKX2-1 (NK2 homeobox 1; minus strand), NKX2-1-AS1 (NKX2-1 antisense RNA 1; plus strand), SFTA3 (surfactant associated 3; minus strand). Cytogenetic location: 14q13.3.
Variant type: single nucleotide variant.
Coding change: c.111C>G on transcript NM_001079668.3 (MANE Select); coding-DNA position 111, C replaced by G.
Protein change: p.His37Gln; replaces histidine 37 with glutamine.
Molecular consequence: missense variant. On other transcripts: non-coding transcript variant (1).
Genome position (GRCh38, 1-based): chr14:36,519,337, G>C on the plus strand (C>G on the coding strand, the complement: NKX2-1 is on the minus strand). VCF-style: chr14-36519337-G-C. GRCh37 (hg19) VCF-style: chr14-36988542-G-C.
Other names: c.21C>G, p.His7Gln (NM_003317.4); c.21C>G (NM_003317.3); short protein forms H37Q, H7Q.
Identifiers: ClinVar variation 1957665 (VCV001957665.6), dbSNP rs758847127, ClinGen allele CA389461852.
Genomic context (GRCh38, chr14:36,519,337, plus strand): 5'-CACTTTCTTGTAGCTTTCCTCCAGGGGACTCAAGATGTCAGACACTGAGAACGGAGTCGT[G>C]TGCTTTGGACTCATCGACATGATTCGGCGGCGGCTGGAGGAGGAAGGAAGAGGAGGAAAA-3'
Protein context (NP_001073136.1, residues 27-47): RRRIMSMSPK[His37Gln]TTPFSVSDIL

ClinVar aggregate classification (germline): Uncertain significance. Review status: criteria provided, multiple submitters, no conflicts (2 of 4 stars). 2 submissions from 2 submitters: Uncertain significance (2). Last evaluated 2025-05-13.

Conditions:
Inborn genetic diseases. Identifiers: MedGen C0950123, MeSH D030342.

Allele frequency attached by ClinVar (database versions not stated): TOPMed below 0.00001.

Submissions (2):

Ambry Genetics
Classification: Uncertain significance for Inborn genetic diseases. Last evaluated: 2025-05-13. Review status: criteria provided, single submitter. Criteria: Ambry Variant Classification Scheme 2023. Collection method: clinical testing. Allele origin: germline.

Labcorp Genetics (formerly Invitae), Labcorp
Classification: Uncertain significance. Last evaluated: 2022-07-06. Review status: criteria provided, single submitter. Criteria: Invitae Variant Classification Sherloc (09022015). Collection method: clinical testing. Allele origin: germline.
Comment: This sequence change replaces histidine, which is basic and polar, with glutamine, which is neutral and polar, at codon 37 of the NKX2-1 protein (p.His37Gln). In summary, the available evidence is currently insufficient to determine the role of this variant in disease. Therefore, it has been classified as a Variant of Uncertain Significance. Algorithms developed to predict the effect of missense changes on protein structure and function (SIFT, PolyPhen-2, Align-GVGD) all suggest that this variant is likely to be tolerated. This variant has not been reported in the literature in individuals affected with NKX2-1-related conditions. This variant is not present in population databases (gnomAD no frequency).